The following is an entry in ClinVar:

ClinVar aggregate classification (germline): Uncertain significance (1 of 4 stars; one submission).

Conditions:
Inborn genetic diseases. Identifiers: MedGen C0950123, MeSH D030342.

Submission:

Ambry Genetics
Classification: Uncertain significance for Inborn genetic diseases. Last evaluated: 2025-09-22. Review status: criteria provided, single submitter. Criteria: Ambry Variant Classification Scheme 2023. Collection method: clinical testing. Allele origin: germline.
Comment: The p.S783Y variant (also known as c.2348C>A), located in coding exon 14 of the FANCM gene, results from a C to A substitution at nucleotide position 2348. The serine at codon 783 is replaced by tyrosine, an amino acid with dissimilar properties. This amino acid position is conserved. In addition, this alteration is predicted to be tolerated by in silico analysis. Based on the available evidence, the clinical significance of this variant remains unclear.

NM_020937.4(FANCM):c.2348C>A (p.Ser783Tyr)

Gene: FANCM (FA complementation group M; plus strand). Cytogenetic location: 14q21.2.
Variant type: single nucleotide variant.
Coding change: c.2348C>A on transcript NM_020937.4 (MANE Select); coding-DNA position 2348, C replaced by A.
Protein change: p.Ser783Tyr; replaces serine 783 with tyrosine.
Molecular consequence: missense variant.
Genome position (GRCh38, 1-based): chr14:45,175,102, C>A. VCF-style: chr14-45175102-C-A. GRCh37 (hg19) VCF-style: chr14-45644305-C-A.
Other names: c.2270C>A, p.Ser757Tyr (NM_001308133.2); short protein forms S757Y, S783Y.
Identifiers: ClinVar variation 4619444 (VCV004619444.1).
Genomic context (GRCh38, chr14:45,175,102, plus strand): 5'-GTGGCTTTTTAAATTTTCCTTATTTATAGGGAGAATGCAGCTATGAATTGGAAGTTGAAT[C>A]TTATTTACAAATGGAAGATGTTACCTCAACATTTATTGCTCCCAGGAATGAATCTAATAA-3'
Protein context (NP_065988.1, residues 773-793): GECSYELEVE[Ser783Tyr]YLQMEDVTST